The following is an entry in ClinVar:

NM_000051.4(ATM):c.8565_8566delinsAA (p.Ser2855_Val2856delinsArgIle)

Genes: ATM (ATM serine/threonine kinase; plus strand), C11orf65 (chromosome 11 open reading frame 65; minus strand). Cytogenetic location: 11q22.3.
Variant type: Indel.
Coding change: c.8565_8566delinsAA on transcript NM_000051.4 (MANE Select); coding-DNA positions 8565 to 8566, TG replaced by AA.
Protein change: p.Ser2855_Val2856delinsArgIle.
Molecular consequence: missense variant. On other transcripts: intron variant (2).
Genome position (GRCh38, 1-based): chr11:108,345,889-108,345,890, TG replaced by AA. VCF-style: chr11-108345889-TG-AA. GRCh37 (hg19) VCF-style: chr11-108216616-TG-AA.
Other names: NM_000051.4(ATM):c.8565_8566delinsAA; p.Ser2855_Val2856delinsArgIle; c.8565_8566delinsAA, p.Ser2855_Val2856delinsArgIle (NM_001351834.2); c.641-36819_641-36818delinsTT (NM_001330368.2); c.695-10598_695-10597delinsTT (NM_001351110.2).
Identifiers: ClinVar variation 140897 (VCV000140897.63), dbSNP rs587781353, ClinGen allele CA293967.
Genomic context (GRCh38, chr11:108,345,889, plus strand): 5'-CATGGAAAAATTCTTGGATCCAGCTATTTGGTTTGAGAAGCGATTGGCTTATACGCGCAG[TG>AA]TAGCTACTTCTTCTATTGGTAATCTTCTTGTACATATAGTAGATTGAGCACTTTGTTGTT-3'

ClinVar aggregate classification (germline): Pathogenic. Review status: reviewed by expert panel (3 of 4 stars). 9 submissions from 9 submitters: Pathogenic (1). 8 of the submissions do not count toward it. Last evaluated 2025-11-11.

Conditions:
ATM-related cancer predisposition. Also called: ATM-related cancer susceptibility. Identifiers: MedGen CN377759, MONDO:0700270.
ATM-related disorder. Also called: ATM-related disorders; ATM-related condition.
Hereditary cancer-predisposing syndrome. Also called: Neoplastic Syndromes, Hereditary; Hereditary Cancer Syndrome; Tumor predisposition; Hereditary neoplastic syndrome. Identifiers: Orphanet 140162, MedGen C0027672, MeSH D009386, MONDO:0015356.
Familial cancer of breast. Also called: BREAST CANCER, FAMILIAL; hereditary breast carcinoma; Hereditary breast cancer. Identifiers: Orphanet 227535, MedGen C0346153, MONDO:0016419, OMIM 114480. Disease mechanism: loss of function.
Malignant tumor of breast. Also called: Malignant breast neoplasm; Cancer breast. Identifiers: MedGen C0006142, MONDO:0007254. Disease mechanism: loss of function.
Ataxia-telangiectasia syndrome (AT). Also called: Ataxia-telangiectasia, complementation group D; AT, COMPLEMENTATION GROUP C; Ataxia-telangiectasia; ATAXIA-TELANGIECTASIA, COMPLEMENTATION GROUP A; ATAXIA-TELANGIECTASIA, FRESNO VARIANT; Ataxia-telangiectasia, complementation group E. Identifiers: Orphanet 100, MedGen C0004135, MONDO:0008840, OMIM 208900.

Submissions 1 to 8 of 9:

ClinGen Hereditary Breast, Ovarian and Pancreatic Cancer Variant Curation Expert Panel, ClinGen
Classification: Pathogenic for ATM-related cancer predisposition. Last evaluated: 2025-11-11. Review status: reviewed by expert panel. Criteria: ClinGen HBOP ACMG Specifications ATM V1.3.0. Collection method: curation. Allele origin: germline. Inheritance: Autosomal dominant inheritance.
Comment: The c.8565_8566delinsAA variant in ATM is an in-frame deletion insertion predicted to cause substitution of serine and valine by arginine and isoleucine at amino acids 2855-2856 This variant has been detected in multiple unrelated individuals with Ataxia-Telangiectasia (PMIDs: 9872980, 10817650, 12673797, 26896183, 37438524). This variant is absent from gnomAD v4.1.0. Western blotting in ATM null cells transfected with cDNA carrying this variant showed inactive phosphorylation of ATM downstream targets as compared to wild-type controls indicating that this variant impacts protein function (PMID: 19431188). The computational predictor Provean gives a score of -4.871, evidence that correlates with impact to ATM function. In summary, this variant meets the criteria to be classified as pathogenic for autosomal dominant ATM-related cancer predisposition and autosomal recessive Ataxia-Telangiectasia based on the ACMG/AMP criteria applied as specified by the HBOP VCEP. (PM3_Very Strong, PM2_Supporting, PS3_Supporting).

Labcorp Genetics (formerly Invitae), Labcorp
Classification: Pathogenic for Ataxia-telangiectasia syndrome. Last evaluated: 2025-12-15. Review status: criteria provided, single submitter. Criteria: Invitae Variant Classification Sherloc (09022015). Collection method: clinical testing. Allele origin: germline. Not counted in ClinVar's aggregate classification.
Comment: This variant, c.8565_8566delinsAA, is a complex sequence change that results in the deletion of 2 amino acids (Ser2855_Val2856) and insertion of 2 amino acid(s) in the ATM protein (p.Ser2855_Val2856delinsArgIle). Information on the frequency of this variant in the gnomAD database is not available, as this variant may be reported differently in the database. This variant has been observed in individual(s) with ataxia-telangiectasia and/or breast cancer (PMID: 8659541, 9872980, 19781682, 26681312, 28929041; internal data). In at least one individual the data is consistent with being in trans (on the opposite chromosome) from a pathogenic variant. ClinVar contains an entry for this variant (Variation ID: 140897). Algorithms developed to predict the effect of variants on gene product structure and function are not available or were not evaluated for this variant. Experimental studies have shown that this variant affects ATM function (PMID: 11857346, 19431188). For these reasons, this variant has been classified as Pathogenic.

GeneDx
Classification: Pathogenic. Last evaluated: 2024-08-03. Review status: criteria provided, single submitter. Criteria: GeneDx Variant Classification Process June 2021. Collection method: clinical testing. Allele origin: germline. Affected: yes. Not counted in ClinVar's aggregate classification.
Comment: Published functional studies demonstrate a damaging effect: reduced levels of ATM protein and absent kinase activity (PMID: 19431188); In silico analysis supports a deleterious effect on protein structure/function; Not observed at significant frequency in large population cohorts (gnomAD); This variant is associated with the following publications: (PMID: 19781682, 26681312, 10817650, 9872980, 11857346, 28929041, 28152038, 32322110, 26896183, 19431188, 35022142, 23532176, 15279808)

Myriad Genetics, Inc.
Classification: Likely pathogenic for Familial cancer of breast. Last evaluated: 2024-02-02. Review status: criteria provided, single submitter. Criteria: Myriad Autosomal Dominant, Autosomal Recessive and X-Linked Classification Criteria (2023). Collection method: clinical testing. Allele origin: unknown. Not counted in ClinVar's aggregate classification.
Comment: This variant is considered likely pathogenic. Functional studies indicate this variant impacts protein function [PMID: 19431188, 11857346]. This variant has been reported in multiple individuals with clinical features of gene-specific disease [PMID: 9872980, 10817650].

Baylor Genetics
Classification: Likely pathogenic for Familial cancer of breast. Last evaluated: 2023-10-12. Review status: criteria provided, single submitter. Criteria: ACMG Guidelines, 2015. Collection method: clinical testing. Allele origin: unknown. Not counted in ClinVar's aggregate classification.

Color Diagnostics, LLC DBA Color Health
Classification: Likely pathogenic for Hereditary cancer-predisposing syndrome. Last evaluated: 2023-08-21. Review status: criteria provided, single submitter. Criteria: ACMG Guidelines, 2015. Collection method: clinical testing. Allele origin: germline. Not counted in ClinVar's aggregate classification.
Comment: This missense variant replaces serine and valine at codons 2855 and 2856 in the kinase domain of the ATM protein with arginine and isoleucine, respectively. A functional study has shown that the mutant protein is stably expressed but lacks kinase activity (PMID: 19431188). This variant has been reported in individuals affected with ataxia-telangiectasia (PMID: 9872980, 10817650, 12673797, 19431188). This variant has also been reported in individuals affected with breast cancer, including one affected individual who showed severe radiosensitivity (PMID:16832357, 19781682, 26681312, 28929041). This variant has not been identified in the general population by the Genome Aggregation Database (gnomAD). Based on the available evidence, this variant is classified as Likely Pathogenic.

Women's Health and Genetics/Laboratory Corporation of America, LabCorp
Classification: Pathogenic for Malignant tumor of breast. Last evaluated: 2023-08-21. Review status: criteria provided, single submitter. Criteria: LabCorp Variant Classification Summary - May 2015. Collection method: clinical testing. Allele origin: germline. Not counted in ClinVar's aggregate classification.
Comment: Variant summary: ATM c.8565_8566delinsAA (p.Ser2855_Val2856delinsArgIle) results in an in-frame deletion-insertion that is predicted to delete 2 amino acids and to insert two amino acids in Phosphatidylinositol 3-/4-kinase, catalytic domain (IPR000403) of the encoded protein sequence. The variant was absent in 251104 control chromosomes. c.8565_8566delinsAA has been reported in the literature in multiple individuals affected with Breast Cancer (example, Susswein_2016, Tavtigian_2009, Dosani_2017, Renwick_2006), Testicular/ Prostate and other cancers (example, Ramamurthy_2022). At least one publication reports experimental evidence evaluating an impact on protein function. The most pronounced variant effect results in reduced ATM expression (about 50% of WT) and abolishment of ATM kinase activity (Barone_2009). Furthermore, this variant has been reported as a compound heterozygous state with at-least two different pathogenic variants in individuals with Ataxia-telangiectasia syndrome (example, Jackson_2016). Additionally, at least one variant at the Ser2855 residue has been reported as likely associated with disease (p.Ser2855Arg), suggesting that Ser2855 codon might be functionally important. These data indicate that the variant is likely to be associated with disease. The following publications have been ascertained in the context of this evaluation (PMID: 26896183, 26681312, 19781682, 28929041, 16832357, 35022142, 19431188). Three submitters have cited clinical-significance assessments for this variant to ClinVar after 2014 (pathogenic, n=1; likely pathogenic, n=2). Based on the evidence outlined above, the variant was classified as pathogenic.

PreventionGenetics, part of Exact Sciences
Classification: Likely pathogenic for ATM-related condition. Last evaluated: 2023-05-12. Review status: criteria provided, single submitter. Criteria: ACMG Guidelines, 2015. Collection method: clinical testing. Allele origin: germline. Not counted in ClinVar's aggregate classification.
Comment: The ATM c.8565_8566delinsAA variant is predicted to result in an in-frame deletion and insertion. This variant was reported in the heterozygous state in individuals with breast cancer (Table S2, Tavtigian et al. 2009. PubMed ID: 19781682; Table S1, Susswein et al. 2016. PubMed ID: 26681312). This variant was also reported in the compound heterozygous state in individuals with ataxia telangiectasia (Hacia et al. 1998. PubMed ID: 9872980; Table S1, Jackson et al. 2016. PubMed ID: 26896183). Functional studies showed that this variant results in no detectable kinase activity (Barone et al. 2009. PubMed ID: 19431188). This variant has not been reported in a large population database, indicating this variant is rare. This variant is interpreted as pathogenic or likely pathogenic in ClinVar. This variant is interpreted as likely pathogenic.